The following is an entry in ClinVar:

ClinVar aggregate classification (germline): Uncertain significance. Review status: criteria provided, multiple submitters, no conflicts (2 of 4 stars). 4 submissions from 4 submitters: Uncertain significance (4). Last evaluated 2023-08-31.

Conditions:
Cystic fibrosis (CF). Also called: MUCOVISCIDOSIS. Identifiers: Orphanet 586, MedGen C0010674, MONDO:0009061, OMIM 219700. Disease mechanism: loss of function.

Submissions (4):

Blueprint Genetics
Classification: Uncertain significance. Last evaluated: 2023-08-31. Review status: criteria provided, single submitter. Criteria: ACMG Guidelines, 2015. Collection method: clinical testing. Allele origin: germline.

Mayo Clinic Laboratories, Mayo Clinic
Classification: Uncertain significance. Last evaluated: 2023-04-24. Review status: criteria provided, single submitter. Criteria: ACMG Guidelines, 2015. Collection method: clinical testing. Allele origin: germline. Observed: 1 variant allele.
Comment: PP3, PM2

Ambry Genetics
Classification: Uncertain significance for Cystic fibrosis. Last evaluated: 2022-11-16. Review status: criteria provided, single submitter. Criteria: Ambry Variant Classification Scheme 2023. Collection method: clinical testing. Allele origin: germline.
Comment: The p.I918F variant (also known as c.2752A>T), located in coding exon 17 of the CFTR gene, results from an A to T substitution at nucleotide position 2752. The isoleucine at codon 918 is replaced by phenylalanine, an amino acid with highly similar properties. This amino acid position is conserved. In addition, this alteration is predicted to be deleterious by in silico analysis. Since supporting evidence is limited at this time, the clinical significance of this alteration remains unclear.

Labcorp Genetics (formerly Invitae), Labcorp
Classification: Uncertain significance for Cystic fibrosis. Last evaluated: 2021-09-01. Review status: criteria provided, single submitter. Criteria: Invitae Variant Classification Sherloc (09022015). Collection method: clinical testing. Allele origin: germline.
Comment: This sequence change replaces isoleucine with phenylalanine at codon 918 of the CFTR protein (p.Ile918Phe). The isoleucine residue is moderately conserved and there is a small physicochemical difference between isoleucine and phenylalanine. This variant is not present in population databases (ExAC no frequency). This variant has not been reported in the literature in individuals affected with CFTR-related conditions. Algorithms developed to predict the effect of missense changes on protein structure and function are either unavailable or do not agree on the potential impact of this missense change (SIFT: "Tolerated"; PolyPhen-2: "Possibly Damaging"; Align-GVGD: "Class C0"). In summary, the available evidence is currently insufficient to determine the role of this variant in disease. Therefore, it has been classified as a Variant of Uncertain Significance.

NM_000492.4(CFTR):c.2752A>T (p.Ile918Phe)

Gene: CFTR (CF transmembrane conductance regulator; plus strand). Cytogenetic location: 7q31.2.
Variant type: single nucleotide variant.
Coding change: c.2752A>T on transcript NM_000492.4 (MANE Select); coding-DNA position 2752, A replaced by T.
Protein change: p.Ile918Phe; replaces isoleucine 918 with phenylalanine.
Molecular consequence: missense variant.
Genome position (GRCh38, 1-based): chr7:117,603,626, A>T. VCF-style: chr7-117603626-A-T. GRCh37 (hg19) VCF-style: chr7-117243680-A-T.
Other names: p.Ile918Phe; short protein forms I918F.
Identifiers: ClinVar variation 856128 (VCV000856128.11), dbSNP rs1267646551, ClinGen allele CA368986646.